The following is an entry in ClinVar:

ClinVar aggregate classification (germline): Uncertain significance (1 of 4 stars; one submission).

Conditions:
FAAH2-related disorder. Also called: FAAH2-related condition.

Allele frequency attached by ClinVar (database versions not stated): gnomAD exomes below 0.00001; TOPMed below 0.00001; ExAC 0.00001; gnomAD 0.00002; 1000 Genomes Project 0.00026; 1000 Genomes Project 30x 0.00042.
gnomAD v4.1: 5 of 1,199,755 alleles (0.00042%); highest among the groups gnomAD compares: African/African-American, 0.0018%; no homozygotes.

Submission:

PreventionGenetics, part of Exact Sciences
Classification: Uncertain significance for FAAH2-related condition. Last evaluated: 2022-12-08. Review status: criteria provided, single submitter. Criteria: ACMG Guidelines, 2015. Collection method: clinical testing. Allele origin: germline.
Comment: The FAAH2 c.930G>A variant is predicted to result in the amino acid substitution p.Met310Ile. To our knowledge, this variant has not been reported in the literature. This variant is reported in 0.0080% of alleles in individuals of African descent in gnomAD. At this time, the clinical significance of this variant is uncertain due to the absence of conclusive functional and genetic evidence.

NM_174912.4(FAAH2):c.930G>A (p.Met310Ile)

Gene: FAAH2 (fatty acid amide hydrolase 2; plus strand). Cytogenetic location: Xp11.21.
Variant type: single nucleotide variant.
Coding change: c.930G>A on transcript NM_174912.4 (MANE Select); coding-DNA position 930, G replaced by A.
Protein change: p.Met310Ile; replaces methionine 310 with isoleucine.
Molecular consequence: missense variant. On other transcripts: non-coding transcript variant (2).
Genome position (GRCh38, 1-based): chrX:57,380,963, G>A. VCF-style: chrX-57380963-G-A. GRCh37 (hg19) VCF-style: chrX-57407396-G-A.
Other names: c.930G>A, p.Met310Ile (NM_001353840.1); c.720G>A, p.Met240Ile (NM_001353841.1); short protein forms M240I, M310I.
Identifiers: ClinVar variation 2636225 (VCV002636225.1), dbSNP rs766389808, ClinGen allele CA10430789.
Genomic context (GRCh38, chrX:57,380,963, plus strand): 5'-CCTACACAGGTTAAAACTAGACACAAAGGTACATTTAAAAGACTTAAAATTTTACTGGAT[G>A]GAACATGATGGAGGCTCATTTTTAATGTCCAAAGTGGACCAAGATCTCATTATGACTCAG-3'
Protein context (NP_777572.2, residues 300-320): VHLKDLKFYW[Met310Ile]EHDGGSFLMS